The following is an entry in ClinVar:

ClinVar aggregate classification (germline): Pathogenic. Review status: criteria provided, multiple submitters, no conflicts (2 of 4 stars). 2 submissions from 2 submitters: Pathogenic (2). Last evaluated 2025-11-13.

Conditions:
Gaucher disease. Also called: Acute cerebral Gaucher disease; Cerebroside lipidosis syndrome; Gaucher splenomegaly; Sphingolipidosis 1; Glucocerebrosidosis; Glucosylceramidase deficiency. Identifiers: Orphanet 355, MedGen C0017205, MONDO:0018150.

Allele frequency attached by ClinVar (database versions not stated): gnomAD exomes below 0.00001.
gnomAD v4.1: 1 of 1,614,166 alleles (0.000062%); highest among the groups gnomAD compares: Non-Finnish European, 0.000085%; no homozygotes.

Submissions (2):

Natera, Inc.
Classification: Pathogenic for Gaucher disease. Last evaluated: 2025-11-13. Review status: criteria provided, single submitter. Criteria: Natera Variant Classification Schema (03/2026). Collection method: clinical testing. Allele origin: germline.
Comment: The c.1054T>C variant in GBA1 is a missense variant predicted to cause substitution of tyrosine to histidine at amino acid 352. This variant is rare in the general population with a frequency below the threshold expected for the associated phenotype(s). This variant has been observed in one or more individuals affected with the associated recessive disease, as either homozygous or compound heterozygous with a second variant (PMID: 31256856, 22429443, 16185907, 32589593, 32126008). This variant has been found together with another disease-causing variant in the same copy of the gene (PMID: 34820281). Computational prediction algorithms indicate this variant is likely to affect gene or protein function. Given the available evidence, this variant is classified as Pathogenic.

Women's Health and Genetics/Laboratory Corporation of America, LabCorp
Classification: Pathogenic for Gaucher disease. Last evaluated: 2023-08-02. Review status: criteria provided, single submitter. Criteria: LabCorp Variant Classification Summary - May 2015. Collection method: clinical testing. Allele origin: germline.
Comment: Variant summary: GBA c.1054T>C (p.Tyr352His) results in a conservative amino acid change located in the glycosyl hydrolase family 30, TIM-barrel domain (IPR033453) of the encoded protein sequence. Four of five in-silico tools predict a damaging effect of the variant on protein function. The variant was absent in 251480 control chromosomes (gnomAD). c.1054T>C has been reported in the literature in multiple bi-allelic individuals affected with Gaucher Disease (examples: Montfort_2004, Giraldo_2011). These data indicate that the variant is likely to be associated with disease. At least one publication reports experimental evidence evaluating an impact on protein function. The most pronounced variant effect results in <10% of normal activity (example: Montfort_2004). The following publications have been ascertained in the context of this evaluation (PMID: 15146461, 22429443). No submitters have cited clinical-significance assessments for this variant to ClinVar after 2014. Based on the evidence outlined above, the variant was classified as pathogenic.

Literature cited by the submitters: PubMed 31256856 (cited by Natera, Inc.); PubMed 22429443 (cited by Natera, Inc. and Women's Health and Genetics/Laboratory Corporation of America, LabCorp); PubMed 16185907 (cited by Natera, Inc.); PubMed 32589593 (cited by Natera, Inc.); PubMed 32126008 (cited by Natera, Inc.); PubMed 34820281 (cited by Natera, Inc.); PubMed 15146461 (cited by Women's Health and Genetics/Laboratory Corporation of America, LabCorp).

NM_000157.4(GBA1):c.1054T>C (p.Tyr352His)

Genes: GBA1 (glucosylceramidase beta 1; minus strand), LOC106627981 (GBA recombination region; plus strand). Cytogenetic location: 1q22.
Variant type: single nucleotide variant.
Coding change: c.1054T>C on transcript NM_000157.4 (MANE Select); coding-DNA position 1054, T replaced by C.
Protein change: p.Tyr352His; replaces tyrosine 352 with histidine.
Molecular consequence: missense variant.
Genome position (GRCh38, 1-based): chr1:155,236,415, A>G on the plus strand (T>C on the coding strand, the complement: GBA1 is on the minus strand). VCF-style: chr1-155236415-A-G. GRCh37 (hg19) VCF-style: chr1-155206206-A-G.
Other names: c.1054T>C (NM_000157.3); c.1054T>C, p.Tyr352His (NM_001005741.3, NM_001005742.3); c.793T>C, p.Tyr265His (NM_001171811.2); c.907T>C, p.Tyr303His (NM_001171812.2); short protein forms Y265H, Y303H, Y352H.
Identifiers: ClinVar variation 2581173 (VCV002581173.2), dbSNP rs2148073370, ClinGen allele CA342717552.